The following is an entry in ClinVar:

NM_006361.6(HOXB13):c.185A>C (p.Gln62Pro)

Gene: HOXB13 (homeobox B13; minus strand). Cytogenetic location: 17q21.32.
Variant type: single nucleotide variant.
Coding change: c.185A>C on transcript NM_006361.6 (MANE Select); coding-DNA position 185, A replaced by C.
Protein change: p.Gln62Pro; replaces glutamine 62 with proline.
Molecular consequence: missense variant.
Genome position (GRCh38, 1-based): chr17:48,728,409, T>G on the plus strand (A>C on the coding strand, the complement: HOXB13 is on the minus strand). VCF-style: chr17-48728409-T-G. GRCh37 (hg19) VCF-style: chr17-46805771-T-G.
Other names: short protein forms Q62P.
Identifiers: ClinVar variation 4844725 (VCV004844725.1).
Genomic context (GRCh38, chr17:48,728,409, plus strand): 5'-TAACCATAAGGCACGGGAGCTGGGGACGTCCCCTGGGGCACCCCAGGGCATGGGTGGCAT[T>G]GCTTTGGCGGCTCCGCCGAGCCTGGCAGATCCAAGGGGGCATAGTTGACAGCAGGCATCA-3'
Protein context (NP_006352.2, residues 52-72): DLPGSAEPPK[Gln62Pro]CHPCPGVPQG

ClinVar aggregate classification (germline): Uncertain significance (1 of 4 stars; one submission).

Conditions:
Hereditary cancer-predisposing syndrome. Also called: Neoplastic Syndromes, Hereditary; Tumor predisposition; Hereditary Cancer Syndrome; Hereditary neoplastic syndrome. Identifiers: Orphanet 140162, MedGen C0027672, MeSH D009386, MONDO:0015356.

Submission:

Ambry Genetics
Classification: Uncertain significance for Hereditary cancer-predisposing syndrome. Last evaluated: 2026-02-11. Review status: criteria provided, single submitter. Criteria: Ambry Variant Classification Scheme 2023. Collection method: clinical testing. Allele origin: germline.
Comment: The p.Q62P variant (also known as c.185A>C), located in coding exon 1 of the HOXB13 gene, results from an A to C substitution at nucleotide position 185. The glutamine at codon 62 is replaced by proline, an amino acid with similar properties. This amino acid position is highly conserved in available vertebrate species. In addition, this alteration is predicted to be tolerated by in silico analysis. Based on the available evidence, the clinical significance of this variant remains unclear.